The following is an entry in ClinVar:

NM_004656.4(BAP1):c.256-4A>G

Gene: BAP1 (BRCA1 associated deubiquitinase 1; minus strand). Cytogenetic location: 3p21.1.
Variant type: single nucleotide variant.
Coding change: c.256-4A>G on transcript NM_004656.4 (MANE Select); 4 bases into the intron before coding-DNA position 256, A replaced by G.
Molecular consequence: intron variant.
Genome position (GRCh38, 1-based): chr3:52,408,081, T>C on the plus strand (A>G on the coding strand, the complement: BAP1 is on the minus strand). VCF-style: chr3-52408081-T-C. GRCh37 (hg19) VCF-style: chr3-52442097-T-C.
Identifiers: ClinVar variation 927261 (VCV000927261.3), dbSNP rs1705223367, ClinGen allele CA1139658124.

ClinVar aggregate classification (germline): Uncertain significance (1 of 4 stars; one submission).

Conditions:
Hereditary cancer-predisposing syndrome. Also called: Neoplastic Syndromes, Hereditary; Hereditary Cancer Syndrome; Tumor predisposition; Hereditary neoplastic syndrome. Identifiers: Orphanet 140162, MedGen C0027672, MeSH D009386, MONDO:0015356.

Submission:

Color Diagnostics, LLC DBA Color Health
Classification: Uncertain significance for Hereditary cancer-predisposing syndrome. Last evaluated: 2020-02-20. Review status: criteria provided, single submitter. Criteria: ACMG Guidelines, 2015. Collection method: clinical testing. Allele origin: germline.
Comment: This variant causes an A>G nucleotide substitution at the -4 position of intron 4 of the BAP1 gene. Splice site prediction tools suggest that this variant may not impact RNA splicing, but the nucleotide is well conserved in mammals. To our knowledge, functional studies have not been performed for this variant. This variant has not been reported in individuals affected with hereditary cancer in the literature. This variant has not been identified in the general population by the Genome Aggregation Database (gnomAD). The available evidence is insufficient to determine the role of this variant in disease conclusively. Therefore, this variant is classified as a Variant of Uncertain Significance.